The following is an entry in ClinVar:

ClinVar aggregate classification (germline): Uncertain significance. Review status: criteria provided, multiple submitters, no conflicts (2 of 4 stars). 2 submissions from 2 submitters: Uncertain significance (2). Last evaluated 2025-01-05.

Conditions:
Familial cancer of breast. Also called: hereditary breast carcinoma; BREAST CANCER, FAMILIAL; Hereditary breast cancer. Identifiers: Orphanet 227535, MedGen C0346153, MONDO:0016419, OMIM 114480. Disease mechanism: loss of function.
Hereditary cancer-predisposing syndrome. Also called: Neoplastic Syndromes, Hereditary; Hereditary Cancer Syndrome; Tumor predisposition; Hereditary neoplastic syndrome. Identifiers: Orphanet 140162, MedGen C0027672, MeSH D009386, MONDO:0015356.

Submissions (2):

Ambry Genetics
Classification: Uncertain significance for Hereditary cancer-predisposing syndrome. Last evaluated: 2025-01-05. Review status: criteria provided, single submitter. Criteria: Ambry Variant Classification Scheme 2023. Collection method: clinical testing. Allele origin: germline.
Comment: The p.N503D variant (also known as c.1507A>G), located in coding exon 13 of the CHEK2 gene, results from an A to G substitution at nucleotide position 1507. The asparagine at codon 503 is replaced by aspartic acid, an amino acid with highly similar properties. This amino acid position is conserved. In addition, this alteration is predicted to be tolerated by in silico analysis. Based on the available evidence, the clinical significance of this variant remains unclear.

Labcorp Genetics (formerly Invitae), Labcorp
Classification: Uncertain significance for Familial cancer of breast. Last evaluated: 2023-10-20. Review status: criteria provided, single submitter. Criteria: Invitae Variant Classification Sherloc (09022015). Collection method: clinical testing. Allele origin: germline.
Comment: This sequence change replaces asparagine, which is neutral and polar, with aspartic acid, which is acidic and polar, at codon 503 of the CHEK2 protein (p.Asn503Asp). This variant is not present in population databases (gnomAD no frequency). This variant has not been reported in the literature in individuals affected with CHEK2-related conditions. ClinVar contains an entry for this variant (Variation ID: 944285). Algorithms developed to predict the effect of missense changes on protein structure and function output the following: SIFT: "Not Available"; PolyPhen-2: "Benign"; Align-GVGD: "Not Available". The aspartic acid amino acid residue is found in multiple mammalian species, which suggests that this missense change does not adversely affect protein function. In summary, the available evidence is currently insufficient to determine the role of this variant in disease. Therefore, it has been classified as a Variant of Uncertain Significance.

NM_007194.4(CHEK2):c.1507A>G (p.Asn503Asp)

Gene: CHEK2 (checkpoint kinase 2; minus strand). Cytogenetic location: 22q12.1.
Variant type: single nucleotide variant.
Coding change: c.1507A>G on transcript NM_007194.4 (MANE Select); coding-DNA position 1507, A replaced by G.
Protein change: p.Asn503Asp; replaces asparagine 503 with aspartic acid.
Molecular consequence: missense variant.
Genome position (GRCh38, 1-based): chr22:28,689,170, T>C on the plus strand (A>G on the coding strand, the complement: CHEK2 is on the minus strand). VCF-style: chr22-28689170-T-C. GRCh37 (hg19) VCF-style: chr22-29085158-T-C.
Other names: c.1636A>G, p.Asn546Asp (NM_001005735.3); c.844A>G, p.Asn282Asp (NM_001257387.3); c.1306A>G, p.Asn436Asp (NM_001349956.3); c.1420A>G, p.Asn474Asp (NM_145862.3); short protein forms N474D, N546D, N436D, N503D, N282D.
Identifiers: ClinVar variation 944285 (VCV000944285.11), dbSNP rs2052243352, ClinGen allele CA411092405.